The following is an entry in ClinVar:

NM_001142966.3(GREB1L):c.3970-20A>G

Gene: GREB1L (GREB1 like retinoic acid receptor coactivator; plus strand). Cytogenetic location: 18q11.2.
Variant type: single nucleotide variant.
Coding change: c.3970-20A>G on transcript NM_001142966.3 (MANE Select); 20 bases into the intron before coding-DNA position 3970, A replaced by G.
Molecular consequence: intron variant.
Genome position (GRCh38, 1-based): chr18:21,500,520, A>G. VCF-style: chr18-21500520-A-G. GRCh37 (hg19) VCF-style: chr18-19080481-A-G.
Other names: IVS22AS, A-G, -20.
Identifiers: ClinVar variation 917904 (VCV000917904.6), dbSNP rs1353636049, ClinGen allele CA1139665971.

ClinVar aggregate classification (germline): Conflicting classifications of pathogenicity. Review status: criteria provided, conflicting classifications (1 of 4 stars). 4 submissions from 4 submitters: Likely pathogenic (2); Uncertain significance (1). 1 of the submissions does not count toward it. Last evaluated 2025-10-01.

Conditions:
Renal hypodysplasia/aplasia 3 (RHDA3). Identifiers: MedGen C4540497, MONDO:0024520, OMIM 617805.
Mayer-Rokitansky-Kuster-Hauser syndrome (CAUV). Also called: CONGENITAL ABSENCE OF UTERUS AND VAGINA; MULLERIAN APLASIA/DYSGENESIS; Mayer-Rokitansky-Küster-Hauser syndrome; Rokitansky sequence. Identifiers: Orphanet 247775, Orphanet 3109, MedGen C0431648, MONDO:0017771.

gnomAD v4.1: 1 of 1,502,186 alleles (0.000067%); highest among the groups gnomAD compares: Non-Finnish European, 0.000091%; no homozygotes.

Submissions (4):

Variantyx, Inc.
Classification: Likely pathogenic for Renal hypodysplasia/aplasia 3. Last evaluated: 2025-10-01. Review status: criteria provided, single submitter. Criteria: Variantyx Assertion Criteria 2022. Collection method: clinical testing. Allele origin: germline. Inheritance: Autosomal dominant inheritance. Affected: yes.
Comment: This is an intronic variant in the GREB1L gene (OMIM: 617782). Pathogenic variants in this gene have been associated with autosomal dominant renal hypodysplasia/aplasia 3. This intronic variant has been shown to result in a frameshift and a premature stop codon(p.(Val1324Leufs*34) ()(PVS1_Strong). It has been reported in at least two affected individuals (PMID: 32378186) (PS4). This variant has a 0.0003% maximum allele frequency in non-founder control populations (PM2). Algorithms that predict the potential impact of sequence variants on RNA splicing suggest that this variant has conflicting evidence regarding the effect on splicing. Based on the current evidence, this variant is classified as likely pathogenic for autosomal dominant renal hypodysplasia/aplasia 3. Inheritance from an unaffected or mildly affected parent has been reported in the GREB1L gene, consistent with incomplete penetrance and/or variable expressivity (PMID: 29100090, 29100091).

Victorian Clinical Genetics Services, Murdoch Childrens Research Institute
Classification: Uncertain significance for Renal hypodysplasia/aplasia 3. Last evaluated: 2024-10-09. Review status: criteria provided, single submitter. Criteria: ACMG Guidelines, 2015. Collection method: clinical testing. Allele origin: germline. Inheritance: Autosomal dominant inheritance. Affected: yes.
Comment: Based on the classification scheme VCGS_Germline_v1.3.4, this variant is classified as VUS-3B. Following criteria are met: 0102 - Loss of function is a known mechanism of disease in this gene and is associated with deafness, autosomal dominant 80, (MIM#619274), and renal hypodysplasia/aplasia 3, (MIM#617805). There is no genotype-phenotype correlation (PMID: 32585897). (I) 0107 - This gene is associated with autosomal dominant disease. (I) 0112 - The condition associated with this gene has incomplete penetrance, where variants have been inherited from unaffected parents (PMID: 29100090, PMID: 32378186). (I) 0115 - Variants in this gene are known to have variable expressivity (OMIM). (I) 0217 - Non-coding variant with predicted effect. The variant has been shown to undergo alternative splicing, resulting in a new acceptor site in intron 22 that leads to a frameshift and nonsense-mediated decay. The wild-type and alternative transcripts have been observed simultaneously in an individual, possibly due to low GREB1L expression in the blood sample or variable amplification of each DNA strand (PMID: 32378186). Due to the limitations of the assay design, it cannot be determined if there will be other splicing effects. (SP) 0251 - This variant is heterozygous. (I) 0301 - Variant is absent from gnomAD (both v2 and v3). (SP) 0705 - No comparable intronic splice variants have previous evidence for pathogenicity. Other NMD-predicted variants in this gene have strong evidence of pathogenicity (DECIPHER). (I) 0809 - Previous evidence of pathogenicity for this variant is inconclusive. It has been reported in three related individuals, including one unaffected father and two affected fetuses (PMID: 32378186). (I) 1208 - Inheritance information for this variant is not currently available in this individual. (I) Legend: (SP) - Supporting pathogenic, (I) - Information, (SB) - Supporting benign

Human Genetic Laboratory, University of Liege
Classification: Likely pathogenic for Renal hypodysplasia/aplasia 3; Mayer Rokitansky Kuster Hauser syndrome type 1. Last evaluated: 2020-02-20. Review status: criteria provided, single submitter. Criteria: ACMG Guidelines, 2015. Collection method: research. Allele origin: inherited, unknown. Inheritance: Autosomal dominant inheritance. Affected: yes and no. Observed: 3 heterozygotes. Clinical features observed: Aplasia/hypoplasia of the uterus (HP:0008684), Aplasia/Hypoplasia of the vagina (HP:0011026), Bilateral renal agenesis (HP:0010958), Aplasia of the bladder (HP:0010477), Polydactyly (HP:0010442).
Comment: The variant is in a gene (GREB1L) previously associated with renal and uterine malformations in human.This intronic variant is not reported in Gnomad. In silico tools predict alteration of the splicing and the activation of an intronic cryptic acceptor site. We have identified this variant in heterozygous state in two siblings with uterovaginal aplasia, bilateral renal agenesis, ureter and bladder aplasia, and their asymptomatic father. cDNA analysis in the father identified an alternative transcript with insertion of the 19 last nucleotides of intron 22, leading to a frameshift and a stop codon (r.3969_3970ins[3970-19_3970-1]; p.(Val1324Leufs*34)).Absence of kidney malformation in the father as opposed to the functional analysis was suggestive of incomplete penetrance.

OMIM
Classification: Pathogenic for RENAL HYPODYSPLASIA/APLASIA 3. Last evaluated: 2021-04-14. Review status: no assertion criteria provided. Collection method: literature only. Allele origin: germline. Not counted in ClinVar's aggregate classification.

Literature cited by the submitters: PubMed 32378186 (cited by 3 submitters); PubMed 29100090 (cited by Variantyx, Inc. and Victorian Clinical Genetics Services, Murdoch Childrens Research Institute); PubMed 29100091 (cited by Variantyx, Inc.); PubMed 32585897 (cited by Victorian Clinical Genetics Services, Murdoch Childrens Research Institute).